The following is an entry in ClinVar:

NM_000090.4(COL3A1):c.647G>A (p.Gly216Glu)

Gene: COL3A1 (collagen type III alpha 1 chain; plus strand). Cytogenetic location: 2q32.2.
Variant type: single nucleotide variant.
Coding change: c.647G>A on transcript NM_000090.4 (MANE Select); coding-DNA position 647, G replaced by A.
Protein change: p.Gly216Glu; replaces glycine 216 with glutamic acid.
Molecular consequence: missense variant.
Genome position (GRCh38, 1-based): chr2:188,989,406, G>A. VCF-style: chr2-188989406-G-A. GRCh37 (hg19) VCF-style: chr2-189854132-G-A.
Identifiers: ClinVar variation 101310 (VCV000101310.13), dbSNP rs587779596, ClinGen allele CA007188.

ClinVar aggregate classification (germline): Pathogenic/Likely pathogenic. Review status: criteria provided, multiple submitters, no conflicts (2 of 4 stars). 4 submissions from 4 submitters: Pathogenic (1); Likely pathogenic (2). 1 of the submissions does not count toward it. Last evaluated 2025-02-20.

Conditions:
Familial thoracic aortic aneurysm and aortic dissection (TAAD). Also called: Thoracic aortic aneurysms and dissections. Identifiers: Orphanet 91387, MedGen C4707243, MONDO:0019625.
Ehlers-Danlos syndrome, type 4 (EDSVASC). Also called: Ehlers-Danlos syndrome vascular type; Ehlers Danlos syndrome, ecchymotic type; Ehlers Danlos syndrome, arterial type; Ehlers Danlos syndrome, Sack-Barabas type; Ehlers-Danlos Syndrome Type IV. Identifiers: Orphanet 286, MedGen C0268338, MONDO:0017314, OMIM 130050.

Submissions (4):

Labcorp Genetics (formerly Invitae), Labcorp
Classification: Pathogenic for Ehlers-Danlos syndrome, type 4. Last evaluated: 2025-02-20. Review status: criteria provided, single submitter. Criteria: Invitae Variant Classification Sherloc (09022015). Collection method: clinical testing. Allele origin: germline.
Comment: This sequence change replaces glycine, which is neutral and non-polar, with glutamic acid, which is acidic and polar, at codon 216 of the COL3A1 protein (p.Gly216Glu). This variant is not present in population databases (gnomAD no frequency). This missense change has been observed in individual(s) with clinical features of vascular Ehlers-Danlos syndrome (PMID: 24922459; internal data). In at least one individual the variant was observed to be de novo. ClinVar contains an entry for this variant (Variation ID: 101310). Invitae Evidence Modeling of protein sequence and biophysical properties (such as structural, functional, and spatial information, amino acid conservation, physicochemical variation, residue mobility, and thermodynamic stability) indicates that this missense variant is expected to disrupt COL3A1 protein function with a positive predictive value of 95%. This variant disrupts the triple helix domain of COL3A1. Glycine residues within the Gly-Xaa-Yaa repeats of the triple helix domain are required for the structure and stability of fibrillar collagens (PMID: 7695699, 8218237, 19344236). In COL3A1, variants that affect these glycine residues are significantly enriched in individuals with disease (PMID: 24922459, 25758994) compared to the general population (ExAC). For these reasons, this variant has been classified as Pathogenic.

All of Us Research Program, National Institutes of Health
Classification: Likely pathogenic for Ehlers-Danlos syndrome, type 4. Last evaluated: 2024-08-19. Review status: criteria provided, single submitter. Criteria: ACMG Guidelines, 2015. Collection method: clinical testing. Allele origin: germline. Inheritance: Autosomal dominant inheritance. Observed: 1 variant allele, 1 heterozygote.
Comment: The c.647G>A (p.Gly216Glu) variant in COL3A1 gene that encodes for collagen type III alpha 1 chain, has been reported in at least two individuals with vascular Ehlers-Danlos syndrome (PMID: 24922459). This variant affects the conserved glycine residue and substitutions of which are significantly enriched in individuals with COL3A1-related conditions (PMID: 24922459, 25758994). Glycine residues within the Gly-X-Y repeats of the triple helix domain are required for the structure and stability of fibrillar collagens (PMID: 7695699, 8218237, 19344236). In-silico computational prediction tools suggest that the p.Gly216Glu variant may have deleterious effect on the protein function (REVEL score: 0.998). This variant is absent in the general population database gnomAD and interpreted as likely pathogenic/pathogenic by three submitters in ClinVar database (ClinVar ID: 101310). Therefore, the c.647G>A (p.Gly216Glu) variant in COL3A1 gene is classified as likely pathogenic.

This study involves interpretation of variants in research participants for the purpose of population health screening. Participant phenotype was not available at the time of variant classification. Additional details can be found in publication PMID: 35346344, PMCID: PMC8962531

Ambry Genetics
Classification: Likely pathogenic for Familial thoracic aortic aneurysm and aortic dissection. Last evaluated: 2022-12-07. Review status: criteria provided, single submitter. Criteria: Ambry Variant Classification Scheme 2023. Collection method: clinical testing. Allele origin: germline.
Comment: The p.G216E variant (also known as c.647G>A), located in coding exon 8 of the COL3A1 gene, results from a G to A substitution at nucleotide position 647. The glycine at codon 216 is replaced by glutamic acid, an amino acid with similar properties. The majority (approximately two-thirds) of COL3A1 mutations identified to date have involved the substitution of another amino acid for glycine within the triple-helical domain (Pepin MG et al. Genet Med. 2014;16(12):881-8; Frank M et al. Eur J Hum Genet. 2015;23(12):1657-64). This variant has been detected in a vascular Ehlers-Danlos syndrome cohort (Pepin MG et al. Genet Med. 2014 Dec;16(12):881-8). Internal structural analysis indicates that this alteration disrupts the characteristic G-X-Y motif in the COL3A1 protein and inserts a bulky side chain into a sterically-constrained region (Bella J et al. Science. 1994;266:75-81; Hohenester E et al. Proc. Natl. Acad. Sci. U.S.A. 2008;105:18273-7; Ambry internal data). This variant is considered to be rare based on population cohorts in the Genome Aggregation Database (gnomAD). This amino acid position is highly conserved in available vertebrate species. In addition, this alteration is predicted to be deleterious by in silico analysis. Based on the majority of available evidence to date, this variant is likely to be pathogenic.

Collagen Diagnostic Laboratory, University of Washington
Classification: Pathogenic for Ehlers-Danlos syndrome, type 4. Review status: no assertion criteria provided. Collection method: clinical testing. Allele origin: germline. Affected: yes. Not counted in ClinVar's aggregate classification.

Literature cited by the submitters: PubMed 24922459 (cited by 3 submitters); PubMed 7695699 (cited by Labcorp Genetics (formerly Invitae), Labcorp and All of Us Research Program, National Institutes of Health); PubMed 8218237 (cited by Labcorp Genetics (formerly Invitae), Labcorp and All of Us Research Program, National Institutes of Health); PubMed 19344236 (cited by Labcorp Genetics (formerly Invitae), Labcorp and All of Us Research Program, National Institutes of Health); PubMed 25758994 (cited by Labcorp Genetics (formerly Invitae), Labcorp and All of Us Research Program, National Institutes of Health).